The following is an entry in ClinVar:

ClinVar aggregate classification (germline): Uncertain significance (1 of 4 stars; one submission).

Conditions:
Cardiovascular phenotype. Identifiers: MedGen CN230736.

gnomAD v4.1: 1 of 1,601,306 alleles (0.000062%); highest among the groups gnomAD compares: Non-Finnish European, 0.000085%; no homozygotes.

Submission:

Ambry Genetics
Classification: Uncertain significance for Cardiovascular phenotype. Last evaluated: 2025-04-05. Review status: criteria provided, single submitter. Criteria: Ambry Variant Classification Scheme 2023. Collection method: clinical testing. Allele origin: germline.
Comment: The p.D362N variant (also known as c.1084G>A), located in coding exon 1 of the FKRP gene, results from a G to A substitution at nucleotide position 1084. The aspartic acid at codon 362 is replaced by asparagine, an amino acid with highly similar properties. This amino acid position is conserved. In addition, the in silico prediction for this alteration is inconclusive. Based on the available evidence, the clinical significance of this variant remains unclear.

NM_024301.5(FKRP):c.1084G>A (p.Asp362Asn)

Gene: FKRP (fukutin related protein; plus strand). Cytogenetic location: 19q13.32.
Variant type: single nucleotide variant.
Coding change: c.1084G>A on transcript NM_024301.5 (MANE Select); coding-DNA position 1084, G replaced by A.
Protein change: p.Asp362Asn; replaces aspartic acid 362 with asparagine.
Molecular consequence: missense variant.
Genome position (GRCh38, 1-based): chr19:46,756,534, G>A. VCF-style: chr19-46756534-G-A. GRCh37 (hg19) VCF-style: chr19-47259791-G-A.
Other names: c.1084G>A, p.Asp362Asn (NM_001039885.3); short protein forms D362N.
Identifiers: ClinVar variation 4025254 (VCV004025254.1).